The following is an entry in ClinVar:

ClinVar aggregate classification (germline): Conflicting classifications of pathogenicity. Review status: criteria provided, conflicting classifications (1 of 4 stars). 2 submissions from 2 submitters: Likely pathogenic (1); Uncertain significance (1). Last evaluated 2026-03-02.

Conditions:
Ogden syndrome (OGDNS). Also called: N-TERMINAL ACETYLTRANSFERASE DEFICIENCY. Identifiers: Orphanet 276432, MedGen C3275447, MONDO:0010457, OMIM 300855.

Submissions (2):

Broad Center for Mendelian Genomics, Broad Institute of MIT and Harvard
Classification: Uncertain significance for Ogden syndrome. Last evaluated: 2026-03-02. Review status: criteria provided, single submitter. Criteria: ACMG Guidelines, 2015. Collection method: research. Allele origin: germline. Inheritance: Autosomal dominant inheritance.
Comment: Trio exome analysis showed this variant to be de novo. The p.Gln88Pro variant in NAA10 has not been previously reported in the literature in individuals with neurodevelopmental disorders and was absent from large population studies. Computational prediction tools and conservation analyses do not provide strong support for or against an impact to the protein. In summary, while there is some suspicion for a pathogenic role, the clinical significance of this variant is uncertain. ACMG/AMP Criteria applied: PM2_supporting, PS2_supporting (Richards 2015).

GeneDx
Classification: Likely pathogenic. Last evaluated: 2025-02-13. Review status: criteria provided, single submitter. Criteria: GeneDx Variant Classification Process June 2021. Collection method: clinical testing. Allele origin: germline.
Comment: Reported in a patient with Ogden syndrome in published literature (PMID: 38747166); Not observed at significant frequency in large population cohorts (gnomAD); In silico analysis supports that this missense variant has a deleterious effect on protein structure/function; This variant is associated with the following publications: (PMID: 38747166)

NM_003491.4(NAA10):c.263A>C (p.Gln88Pro)

Gene: NAA10 (N-alpha-acetyltransferase 10, NatA catalytic subunit; minus strand). Cytogenetic location: Xq28.
Variant type: single nucleotide variant.
Coding change: c.263A>C on transcript NM_003491.4 (MANE Select); coding-DNA position 263, A replaced by C.
Protein change: p.Gln88Pro; replaces glutamine 88 with proline.
Molecular consequence: missense variant.
Genome position (GRCh38, 1-based): chrX:153,932,394, T>G on the plus strand (A>C on the coding strand, the complement: NAA10 is on the minus strand). VCF-style: chrX-153932394-T-G. GRCh37 (hg19) VCF-style: chrX-153197847-T-G.
Other names: NM_001256120.2:c.245A>C; c.263A>C, p.Gln88Pro (NM_001256119.2); c.245A>C, p.Gln82Pro (NM_001256120.2); short protein forms Q82P, Q88P.
Identifiers: ClinVar variation 3602981 (VCV003602981.3).